The following is an entry in ClinVar:

NM_177438.3(DICER1):c.2436+5G>A

Gene: DICER1 (dicer 1, ribonuclease III; minus strand). Cytogenetic location: 14q32.13.
Variant type: single nucleotide variant.
Coding change: c.2436+5G>A on transcript NM_177438.3 (MANE Select); 5 bases into the intron after coding-DNA position 2436, G replaced by A.
Molecular consequence: intron variant.
Genome position (GRCh38, 1-based): chr14:95,108,319, C>T on the plus strand (G>A on the coding strand, the complement: DICER1 is on the minus strand). VCF-style: chr14-95108319-C-T. GRCh37 (hg19) VCF-style: chr14-95574656-C-T.
Other names: c.2436+5G>A (NM_001291628.2, NM_030621.4, NM_001395677.1 and 12 more transcripts); c.2031+5G>A (NM_001395690.1, NM_001395687.1, NM_001395689.1 and 2 more transcripts); c.2154+5G>A (NM_001395686.1); c.1869+5G>A (NM_001395691.1); c.753+5G>A (NM_001395697.1).
Identifiers: ClinVar variation 1791220 (VCV001791220.2), dbSNP rs2140030983, ClinGen allele CA2580089092.

ClinVar aggregate classification (germline): Uncertain significance (1 of 4 stars; one submission).

Conditions:
Hereditary cancer-predisposing syndrome. Also called: Hereditary Cancer Syndrome; Hereditary neoplastic syndrome; Tumor predisposition; Neoplastic Syndromes, Hereditary. Identifiers: Orphanet 140162, MedGen C0027672, MeSH D009386, MONDO:0015356.

Submission:

Ambry Genetics
Classification: Uncertain significance for Hereditary cancer-predisposing syndrome. Last evaluated: 2022-04-09. Review status: criteria provided, single submitter. Criteria: Ambry Variant Classification Scheme 2023. Collection method: clinical testing. Allele origin: germline.
Comment: The c.2436+5G>A intronic variant results from a G to A substitution 5 nucleotides after coding exon 14 in the DICER1 gene. This nucleotide position is not well conserved in available vertebrate species. In silico splice site analysis predicts that this alteration will not have any significant effect on splicing. Since supporting evidence is limited at this time, the clinical significance of this alteration remains unclear.